The following is an entry in ClinVar:

ClinVar aggregate classification (germline): Uncertain significance. Review status: criteria provided, multiple submitters, no conflicts (2 of 4 stars). 2 submissions from 2 submitters: Uncertain significance (2). Last evaluated 2025-03-15.

Conditions:
Inborn genetic diseases. Identifiers: MedGen C0950123, MeSH D030342.

gnomAD v4.1: 2 of 1,608,964 alleles (0.00012%); highest among the groups gnomAD compares: African/African-American, 0.0027%; no homozygotes.

Submissions (2):

Ambry Genetics
Classification: Uncertain significance for Inborn genetic diseases. Last evaluated: 2025-03-15. Review status: criteria provided, single submitter. Criteria: Ambry Variant Classification Scheme 2023. Collection method: clinical testing. Allele origin: germline.
Comment: The p.V258I variant (also known as c.772G>A), located in coding exon 4 of the FANCM gene, results from a G to A substitution at nucleotide position 772. The valine at codon 258 is replaced by isoleucine, an amino acid with highly similar properties. This amino acid position is conserved. In addition, this alteration is predicted to be tolerated by in silico analysis. Based on the available evidence, the clinical significance of this variant remains unclear.

GeneDx
Classification: Uncertain significance. Last evaluated: 2024-06-11. Review status: criteria provided, single submitter. Criteria: GeneDx Variant Classification Process June 2021. Collection method: clinical testing. Allele origin: germline. Affected: yes.
Comment: Not observed at significant frequency in large population cohorts (gnomAD); In silico analysis indicates that this missense variant does not alter protein structure/function; Has not been previously published as pathogenic or benign to our knowledge

NM_020937.4(FANCM):c.772G>A (p.Val258Ile)

Gene: FANCM (FA complementation group M; plus strand). Cytogenetic location: 14q21.2.
Variant type: single nucleotide variant.
Coding change: c.772G>A on transcript NM_020937.4 (MANE Select); coding-DNA position 772, G replaced by A.
Protein change: p.Val258Ile; replaces valine 258 with isoleucine.
Molecular consequence: missense variant.
Genome position (GRCh38, 1-based): chr14:45,148,849, G>A. VCF-style: chr14-45148849-G-A. GRCh37 (hg19) VCF-style: chr14-45618052-G-A.
Other names: c.694G>A, p.Val232Ile (NM_001308133.2); c.772G>A, p.Val258Ile (NM_001308134.2); short protein forms V232I, V258I.
Identifiers: ClinVar variation 3390829 (VCV003390829.2).